The following is an entry in ClinVar:

ClinVar aggregate classification (germline): Conflicting classifications of pathogenicity. Review status: criteria provided, conflicting classifications (1 of 4 stars). 5 submissions from 5 submitters: Uncertain significance (3); Likely benign (2). Last evaluated 2025-12-15.

Conditions:
Muscular dystrophy-dystroglycanopathy (congenital with brain and eye anomalies), type A, 7. Also called: WALKER-WARBURG SYNDROME OR MUSCLE-EYE-BRAIN DISEASE, ISPD-RELATED; Congenital muscular dystrophy-dystroglycanopathy with brain and eye anomalies, type A7. Identifiers: Orphanet 899, MedGen C3553330, MONDO:0013835, OMIM 614643.
Autosomal recessive limb-girdle muscular dystrophy type 2U. Also called: Muscular dystrophy-dystroglycanopathy (limb-girdle), type c, 7; MUSCULAR DYSTROPHY, LIMB-GIRDLE, TYPE 2U. Identifiers: Orphanet 352479, MedGen C5190987, MONDO:0014474, OMIM 616052.

Allele frequency attached by ClinVar (database versions not stated): gnomAD 0.00001 and 0.00003; gnomAD exomes 0.00002 and 0.00008; TOPMed 0.00003; 1000 Genomes Project 30x 0.00016; ExAC 0.00017; 1000 Genomes Project 0.00020.
gnomAD v4.1: 33 of 1,462,138 alleles (0.0023%); highest among the groups gnomAD compares: East Asian, 0.052%; no homozygotes.

Submissions (5):

Labcorp Genetics (formerly Invitae), Labcorp
Classification: Uncertain significance for Muscular dystrophy-dystroglycanopathy (congenital with brain and eye anomalies), type A, 7; Autosomal recessive limb-girdle muscular dystrophy type 2U. Last evaluated: 2025-12-15. Review status: criteria provided, single submitter. Criteria: Invitae Variant Classification Sherloc (09022015). Collection method: clinical testing. Allele origin: germline.
Comment: This sequence change falls in intron 6 of the ISPD gene. It does not directly change the encoded amino acid sequence of the ISPD protein. It affects a nucleotide within the consensus splice site. This variant is present in population databases (rs377582530, gnomAD 0.1%). This variant has not been reported in the literature in individuals affected with ISPD-related conditions. ClinVar contains an entry for this variant (Variation ID: 387587). Variants that disrupt the consensus splice site are a relatively common cause of aberrant splicing (PMID: 17576681, 9536098). Algorithms developed to predict the effect of sequence changes on RNA splicing suggest that this variant is not likely to affect RNA splicing. In summary, the available evidence is currently insufficient to determine the role of this variant in disease. Therefore, it has been classified as a Variant of Uncertain Significance.

Blueprint Genetics
Classification: Likely benign. Last evaluated: 2024-06-27. Review status: criteria provided, single submitter. Criteria: ACMG Guidelines, 2015. Collection method: clinical testing. Allele origin: germline.

Revvity Omics, Revvity
Classification: Uncertain significance. Last evaluated: 2024-04-23. Review status: criteria provided, single submitter. Criteria: ACMG Guidelines, 2015. Collection method: clinical testing. Allele origin: germline.

Athena Diagnostics
Classification: Uncertain significance. Last evaluated: 2016-12-12. Review status: criteria provided, single submitter. Criteria: Athena Diagnostics Criteria. Collection method: clinical testing. Allele origin: germline.

GeneDx
Classification: Likely benign. Last evaluated: 2016-08-02. Review status: criteria provided, single submitter. Criteria: GeneDx Variant Classification (06012015). Collection method: clinical testing. Allele origin: germline. Affected: yes.
Comment: This variant is considered likely benign or benign based on one or more of the following criteria: it is a conservative change, it occurs at a poorly conserved position in the protein, it is predicted to be benign by multiple in silico algorithms, and/or has population frequency not consistent with disease.

Literature cited by the submitters: PubMed 17576681 (cited by Labcorp Genetics (formerly Invitae), Labcorp); PubMed 9536098 (cited by Labcorp Genetics (formerly Invitae), Labcorp).

NM_001101426.4(CRPPA):c.933+3A>G

Gene: CRPPA (CDP-L-ribitol pyrophosphorylase A; minus strand). Cytogenetic location: 7p21.2.
Variant type: single nucleotide variant.
Coding change: c.933+3A>G on transcript NM_001101426.4 (MANE Select); 3 bases into the intron after coding-DNA position 933, A replaced by G.
Molecular consequence: intron variant.
Genome position (GRCh38, 1-based): chr7:16,278,126, T>C on the plus strand (A>G on the coding strand, the complement: CRPPA is on the minus strand). VCF-style: chr7-16278126-T-C. GRCh37 (hg19) VCF-style: chr7-16317751-T-C.
Other names: c.783+3A>G (NM_001101417.4); c.828+3A>G (NM_001368197.1).
Identifiers: ClinVar variation 387587 (VCV000387587.13), dbSNP rs377582530, ClinGen allele CA4169452.